The following is an entry in ClinVar:

ClinVar aggregate classification (germline): Uncertain significance. Review status: criteria provided, multiple submitters, no conflicts (2 of 4 stars). 4 submissions from 4 submitters: Uncertain significance (4). Last evaluated 2025-07-01.

Conditions:
Familial thoracic aortic aneurysm and aortic dissection (TAAD). Also called: Thoracic aortic aneurysms and dissections. Identifiers: Orphanet 91387, MedGen C4707243, MONDO:0019625.
Marfan syndrome (MFS). Also called: Marfan syndrome, classic; Marfan syndrome type 1; Marfan's syndrome; FBN1-Related Marfan Syndrome; MARFAN SYNDROME, TYPE I. Identifiers: Orphanet 284963, Orphanet 558, MedGen C0024796, MONDO:0007947, OMIM 154700.
Weill-Marchesani syndrome 2, dominant. Also called: FBN1-Related Weill-Marchesani Syndrome; Weill-Marchesani Syndrome, Autosomal Dominant. Identifiers: Orphanet 2084, MedGen C1869115, MONDO:0012013, OMIM 608328.
Progeroid and marfanoid aspect-lipodystrophy syndrome. Also called: MARFANOID-PROGEROID SYNDROME; MARFAN-PROGEROID-LIPODYSTROPHY SYNDROME; Marfan lipodystrophy syndrome; MARFANOID-PROGEROID-LIPODYSTROPHY SYNDROME. Identifiers: Orphanet 300382, MedGen C4310796, MONDO:0014831, OMIM 616914.
Acromicric dysplasia (ACMICD). Also called: Acromicric skeletal dysplasia. Identifiers: Orphanet 969, MedGen C0265287, MONDO:0007055, OMIM 102370.
Ectopia lentis 1, isolated, autosomal dominant (ECTOL1). Identifiers: Orphanet 1885, MedGen C3541518, MONDO:0007514, OMIM 129600.
Geleophysic dysplasia 2 (GPHYSD2). Identifiers: Orphanet 2623, MedGen C3280054, MONDO:0013612, OMIM 614185.
MASS syndrome (OCTD). Also called: OVERLAP CONNECTIVE TISSUE DISEASE; MASS PHENOTYPE. Identifiers: MedGen C1858556, MONDO:0011431, OMIM 604308.
Stiff skin syndrome (SSKS). Identifiers: Orphanet 2833, MedGen C1861456, MONDO:0008492, OMIM 184900.

Allele frequency attached by ClinVar (database versions not stated): TOPMed below 0.00001.
gnomAD v4.1: 1 of 1,613,422 alleles (0.000062%); highest among the groups gnomAD compares: Non-Finnish European, 0.000085%; no homozygotes.

Submissions (4):

GeneDx
Classification: Uncertain significance. Last evaluated: 2025-07-01. Review status: criteria provided, single submitter. Criteria: GeneDx Variant Classification Process June 2021. Collection method: clinical testing. Allele origin: germline. Affected: yes.
Comment: Not observed at significant frequency in large population cohorts (gnomAD); In silico analysis suggests that this missense variant does not alter protein structure/function; Does not affect a cysteine or calcium-binding residue within an EGF-like domain or a TGF-binding protein domain of the FBN1 gene; cysteine substitutions in the EGF-like domains represent the majority of pathogenic missense changes associated with FBN1-related disorders (PMID: 12938084); Has not been previously published as pathogenic or benign to our knowledge; This variant is associated with the following publications: (PMID: 12938084)

All of Us Research Program, National Institutes of Health
Classification: Uncertain significance for Marfan syndrome. Last evaluated: 2024-03-24. Review status: criteria provided, single submitter. Criteria: ACMG Guidelines, 2015. Collection method: clinical testing. Allele origin: germline. Inheritance: Autosomal dominant inheritance. Observed: 1 variant allele, 1 heterozygote.
Comment: This missense variant replaces lysine with threonine at codon 934 of the FBN1 protein. Computational prediction tools and conservation analyses are inconclusive regarding the impact of this variant on protein function. Computational splicing tools suggest that this variant may not impact RNA splicing. To our knowledge, functional assays have not been performed for this variant nor has this variant been reported in individuals affected with cardiovascular disorders in the literature. This variant has not been identified in the general population by the Genome Aggregation Database (gnomAD). Available evidence is insufficient to determine the role of this variant in disease conclusively. Therefore, this variant is classified as a Variant of Uncertain Significance.

This study involves interpretation of variants in research participants for the purpose of population health screening. Participant phenotype was not available at the time of variant classification. Additional details can be found in publication PMID: 35346344, PMCID: PMC8962531

Color Diagnostics, LLC DBA Color Health
Classification: Uncertain significance for Familial thoracic aortic aneurysm and aortic dissection. Last evaluated: 2024-03-06. Review status: criteria provided, single submitter. Criteria: ACMG Guidelines, 2015. Collection method: clinical testing. Allele origin: germline.
Comment: This missense variant replaces lysine with threonine at codon 934 of the FBN1 protein. Computational prediction suggests that this variant may not impact protein structure and function (internally defined REVEL score threshold <= 0.5, PMID: 27666373). To our knowledge, functional studies have not been reported for this variant. This variant has not been reported in individuals affected with FBN1-related disorders in the literature. This variant has not been identified in the general population by the Genome Aggregation Database (gnomAD). The available evidence is insufficient to determine the role of this variant in disease conclusively. Therefore, this variant is classified as a Variant of Uncertain Significance.

Fulgent Genetics
Classification: Uncertain significance for Acromicric dysplasia; Ectopia lentis 1, isolated, autosomal dominant; Marfan syndrome; Stiff skin syndrome; MASS syndrome; Weill-Marchesani syndrome 2, dominant; Geleophysic dysplasia 2; Progeroid and marfanoid aspect-lipodystrophy syndrome. Last evaluated: 2021-10-02. Review status: criteria provided, single submitter. Criteria: ACMG Guidelines, 2015. Collection method: clinical testing. Allele origin: unknown.

NM_000138.5(FBN1):c.2801A>C (p.Lys934Thr)

Gene: FBN1 (fibrillin 1; minus strand). Cytogenetic location: 15q21.1.
Variant type: single nucleotide variant.
Coding change: c.2801A>C on transcript NM_000138.5 (MANE Select); coding-DNA position 2801, A replaced by C.
Protein change: p.Lys934Thr; replaces lysine 934 with threonine.
Molecular consequence: missense variant.
Genome position (GRCh38, 1-based): chr15:48,492,514, T>G on the plus strand (A>C on the coding strand, the complement: FBN1 is on the minus strand). VCF-style: chr15-48492514-T-G. GRCh37 (hg19) VCF-style: chr15-48784711-T-G.
Other names: short protein forms K934T.
Identifiers: ClinVar variation 919363 (VCV000919363.8), dbSNP rs1489199503, ClinGen allele CA392330619.